The following is an entry in ClinVar:

NM_015459.5(ATL3):c.160C>A (p.His54Asn)

Gene: ATL3 (atlastin GTPase 3; minus strand). Cytogenetic location: 11q13.1.
Variant type: single nucleotide variant.
Coding change: c.160C>A on transcript NM_015459.5 (MANE Select); coding-DNA position 160, C replaced by A.
Protein change: p.His54Asn; replaces histidine 54 with asparagine.
Molecular consequence: missense variant.
Genome position (GRCh38, 1-based): chr11:63,659,139, G>T on the plus strand (C>A on the coding strand, the complement: ATL3 is on the minus strand). VCF-style: chr11-63659139-G-T. GRCh37 (hg19) VCF-style: chr11-63426611-G-T.
Other names: c.106C>A, p.His36Asn (NM_001290048.2); short protein forms H36N, H54N.
Identifiers: ClinVar variation 3712442 (VCV003712442.2).

ClinVar aggregate classification (germline): Uncertain significance (1 of 4 stars; one submission).

Conditions:
Neuropathy, hereditary sensory, type 1F. Also called: Hereditary sensory neuropathy type IF; HSN IF. Identifiers: Orphanet 36386, MedGen C3810194, MONDO:0014286, OMIM 615632.

Submission:

Labcorp Genetics (formerly Invitae), Labcorp
Classification: Uncertain significance for Neuropathy, hereditary sensory, type 1F. Last evaluated: 2024-09-15. Review status: criteria provided, single submitter. Criteria: Invitae Variant Classification Sherloc (09022015). Collection method: clinical testing. Allele origin: germline.
Comment: This sequence change replaces histidine, which is basic and polar, with asparagine, which is neutral and polar, at codon 54 of the ATL3 protein (p.His54Asn). This variant is not present in population databases (gnomAD no frequency). This variant has not been reported in the literature in individuals affected with ATL3-related conditions. Invitae Evidence Modeling of protein sequence and biophysical properties (such as structural, functional, and spatial information, amino acid conservation, physicochemical variation, residue mobility, and thermodynamic stability) indicates that this missense variant is not expected to disrupt ATL3 protein function with a negative predictive value of 80%. In summary, the available evidence is currently insufficient to determine the role of this variant in disease. Therefore, it has been classified as a Variant of Uncertain Significance.